The following is an entry in ClinVar:

NM_005356.5(LCK):c.355G>T (p.Ala119Ser)

Gene: LCK (LCK proto-oncogene, Src family tyrosine kinase; plus strand). Cytogenetic location: 1p35.2.
Variant type: single nucleotide variant.
Coding change: c.355G>T on transcript NM_005356.5 (MANE Select); coding-DNA position 355, G replaced by T.
Protein change: p.Ala119Ser; replaces alanine 119 with serine.
Molecular consequence: missense variant.
Genome position (GRCh38, 1-based): chr1:32,275,397, G>T. VCF-style: chr1-32275397-G-T. GRCh37 (hg19) VCF-style: chr1-32740998-G-T.
Other names: c.355G>T, p.Ala119Ser (NM_001042771.3, NM_001330468.2); short protein forms A119S.
Identifiers: ClinVar variation 935670 (VCV000935670.9), dbSNP rs1441550050, ClinGen allele CA339636950.
Genomic context (GRCh38, chr1:32,275,397, plus strand): 5'-AAGGCGCAGTCCCTGACCACGGGCCAGGAAGGCTTCATCCCCTTCAATTTTGTGGCCAAA[G>T]CGAACAGCCTGGAGCCCGAACCGTAAGTGGGGACCCGTCGTGGGGGTGGGTAGGAGCAGA-3'
Protein context (NP_005347.3, residues 109-129): GFIPFNFVAK[Ala119Ser]NSLEPEPWFF

ClinVar aggregate classification (germline): Uncertain significance (1 of 4 stars; one submission).

Conditions:
Severe combined immunodeficiency due to LCK deficiency. Also called: Immunodeficiency 22. Identifiers: Orphanet 280142, MedGen C4014233, MONDO:0014334, OMIM 615758.

Allele frequency attached by ClinVar (database versions not stated): gnomAD exomes below 0.00001; gnomAD 0.00001; TOPMed 0.00001.
gnomAD v4.1: 10 of 1,614,042 alleles (0.00062%); highest among the groups gnomAD compares: Non-Finnish European, 0.00085%; no homozygotes.

Submission:

Labcorp Genetics (formerly Invitae), Labcorp
Classification: Uncertain significance for Severe combined immunodeficiency due to LCK deficiency. Last evaluated: 2024-10-21. Review status: criteria provided, single submitter. Criteria: Invitae Variant Classification Sherloc (09022015). Collection method: clinical testing. Allele origin: germline.
Comment: This sequence change replaces alanine, which is neutral and non-polar, with serine, which is neutral and polar, at codon 119 of the LCK protein (p.Ala119Ser). This variant is present in population databases (no rsID available, gnomAD 0.0009%). This variant has not been reported in the literature in individuals affected with LCK-related conditions. ClinVar contains an entry for this variant (Variation ID: 935670). An algorithm developed to predict the effect of missense changes on protein structure and function (PolyPhen-2) suggests that this variant is likely to be tolerated. In summary, the available evidence is currently insufficient to determine the role of this variant in disease. Therefore, it has been classified as a Variant of Uncertain Significance.